The following is an entry in ClinVar:

NM_001110556.2(FLNA):c.2945-15dup

Gene: FLNA (filamin A; minus strand). Cytogenetic location: Xq28.
Variant type: Duplication.
Coding change: c.2945-15dup on transcript NM_001110556.2 (MANE Select); 15 bases into the intron before coding-DNA position 2945, one base duplicated (T; older notation c.2945-15dupT).
Molecular consequence: intron variant.
Genome position (GRCh38, 1-based): chrX:154,361,585, A duplicated on the plus strand (T on the coding strand, the reverse complement: FLNA is on the minus strand); the first of 3 consecutive A bases (chrX:154,361,585-154,361,587); duplicating any one gives the same sequence. VCF-style (leftmost placement, unchanged base first): chrX-154361584-G-GA. GRCh37 (hg19) VCF-style: chrX-153589952-G-GA.
Other names: c.2945-15dup (NM_001456.4); c.2945-15dupT (NM_001456.3).
Identifiers: ClinVar variation 420566 (VCV000420566.9), dbSNP rs782372275, ClinGen allele CA10560799.

ClinVar aggregate classification (germline): Likely benign. Review status: criteria provided, multiple submitters, no conflicts (2 of 4 stars). 2 submissions from 2 submitters: Likely benign (2). Last evaluated 2025-10-28.

Conditions:
Heterotopia, periventricular, X-linked dominant (PVNH1). Also called: PERIVENTRICULAR NODULAR HETEROTOPIA 4; HETEROTOPIA, PERIVENTRICULAR, 1; PERIVENTRICULAR NODULAR HETEROTOPIA 1; X-linked periventricular heterotopia. Identifiers: Orphanet 2149, Orphanet 82004, MedGen C1848213, MONDO:0010233, OMIM 300049.
Oto-palato-digital syndrome, type II (OPD2). Also called: Otopalatodigital Syndrome, Type II; Otopalatodigital Syndrome Type 2 (FLNA-OPD2); FACIOPALATOOSSEOUS SYNDROME; OPD II SYNDROME. Identifiers: Orphanet 669, Orphanet 90652, MedGen C1844696, MONDO:0010571, OMIM 304120.
Frontometaphyseal dysplasia (FMD1). Identifiers: Orphanet 1826, MedGen C0265293, MONDO:0015942.
Melnick-Needles syndrome (MNS). Also called: Melnick-Needles Syndrome (FLNA-MNS); MELNICK-NEEDLES OSTEODYSPLASTY; OSTEODYSPLASTY OF MELNICK AND NEEDLES. Identifiers: Orphanet 2484, MedGen C0025237, MONDO:0010650, OMIM 309350.

Submissions (2):

Labcorp Genetics (formerly Invitae), Labcorp
Classification: Likely benign for Oto-palato-digital syndrome, type II; Heterotopia, periventricular, X-linked dominant; Frontometaphyseal dysplasia; Melnick-Needles syndrome. Last evaluated: 2025-10-28. Review status: criteria provided, single submitter. Criteria: Invitae Variant Classification Sherloc (09022015). Collection method: clinical testing. Allele origin: germline.

GeneDx
Classification: Likely benign. Last evaluated: 2017-05-19. Review status: criteria provided, single submitter. Criteria: GeneDx Variant Classification (06012015). Collection method: clinical testing. Allele origin: germline. Affected: yes.
Comment: This variant is considered likely benign or benign based on one or more of the following criteria: it is a conservative change, it occurs at a poorly conserved position in the protein, it is predicted to be benign by multiple in silico algorithms, and/or has population frequency not consistent with disease.